The following is an entry in ClinVar:

ClinVar aggregate classification (germline): Uncertain significance (1 of 4 stars; one submission).

Conditions:
Multiple gastrointestinal atresias. Also called: Multiple intestinal atresia; FAMILIAL INTESTINAL POLYATRESIA SYNDROME. Identifiers: Orphanet 2300, MedGen C0220744, MONDO:0009465.

Submission:

Labcorp Genetics (formerly Invitae), Labcorp
Classification: Uncertain significance for Multiple gastrointestinal atresias. Last evaluated: 2024-07-24. Review status: criteria provided, single submitter. Criteria: Invitae Variant Classification Sherloc (09022015). Collection method: clinical testing. Allele origin: germline.
Comment: This sequence change replaces leucine, which is neutral and non-polar, with proline, which is neutral and non-polar, at codon 69 of the TTC7A protein (p.Leu69Pro). This variant is not present in population databases (gnomAD no frequency). This missense change has been observed in individual(s) with clinical features of gastrointestinal defects and immunodeficiency syndrome (PMID: 34975848). Advanced modeling of protein sequence and biophysical properties (such as structural, functional, and spatial information, amino acid conservation, physicochemical variation, residue mobility, and thermodynamic stability) performed at Invitae indicates that this missense variant is expected to disrupt TTC7A protein function with a positive predictive value of 80%. Studies have shown that this missense change alters TTC7A gene expression (PMID: 34975848). In summary, the available evidence is currently insufficient to determine the role of this variant in disease. Therefore, it has been classified as a Variant of Uncertain Significance.

Literature cited by the submitters: PubMed 34975848.

NM_020458.4(TTC7A):c.206T>C (p.Leu69Pro)

Gene: TTC7A (tetratricopeptide repeat domain 7A; plus strand). Cytogenetic location: 2p21.
Variant type: single nucleotide variant.
Coding change: c.206T>C on transcript NM_020458.4 (MANE Select); coding-DNA position 206, T replaced by C.
Protein change: p.Leu69Pro; replaces leucine 69 with proline.
Molecular consequence: missense variant. On other transcripts: 5 prime UTR variant (1).
Genome position (GRCh38, 1-based): chr2:46,950,384, T>C. VCF-style: chr2-46950384-T-C. GRCh37 (hg19) VCF-style: chr2-47177523-T-C.
Other names: c.206T>C, p.Leu69Pro (NM_001288951.2); c.104T>C, p.Leu35Pro (NM_001288953.2); c.-699T>C (NM_001288955.2); short protein forms L69P, L35P.
Identifiers: ClinVar variation 3660536 (VCV003660536.2).